The following is an entry in ClinVar:

ClinVar aggregate classification (germline): Conflicting classifications of pathogenicity. Review status: criteria provided, conflicting classifications (1 of 4 stars). 10 submissions from 10 submitters: Uncertain significance (2); Benign (1); Likely benign (5). 2 of the submissions do not count toward it. Last evaluated 2026-08-01.

Conditions:
Autosomal recessive nonsyndromic hearing loss 8 (DFNB8). Also called: Deafness, autosomal recessive 10; NEUROSENSORY NONSYNDROMIC RECESSIVE DEAFNESS 8. Identifiers: Orphanet 90636, MedGen C1832827, MONDO:0010987, OMIM 601072.

Allele frequency attached by ClinVar (database versions not stated): TOPMed 0.00216; 1000 Genomes Project 30x 0.00062; ExAC 0.00149; gnomAD exomes 0.00162 and 0.00307; gnomAD 0.00235 and 0.00220; ESP Exome Variant Server 0.00208; 1000 Genomes Project 0.00060.
gnomAD v4.1: 4,738 of 1,614,020 alleles (0.29%); highest among the groups gnomAD compares: Non-Finnish European, 0.37%; 6 homozygotes.

Submissions (10):

CeGaT Center for Human Genetics Tuebingen
Classification: Likely benign. Last evaluated: 2026-08-01. Review status: criteria provided, single submitter. Criteria: CeGaT Center For Human Genetics Tuebingen Variant Classification Criteria Version 2. Collection method: clinical testing. Allele origin: germline. Affected: yes. Observed: 3 variant alleles.
Comment: TMPRSS3: BP4, BP7

Labcorp Genetics (formerly Invitae), Labcorp
Classification: Likely benign. Last evaluated: 2026-01-16. Review status: criteria provided, single submitter. Criteria: Invitae Variant Classification Sherloc (09022015). Collection method: clinical testing. Allele origin: germline.

Mayo Clinic Laboratories, Mayo Clinic
Classification: Likely benign. Last evaluated: 2025-05-14. Review status: criteria provided, single submitter. Criteria: ACMG Guidelines, 2015. Collection method: clinical testing. Allele origin: germline. Observed: 3 variant alleles.
Comment: BS1_supporting, BP4, BP7

Blueprint Genetics
Classification: Likely benign. Last evaluated: 2024-11-22. Review status: criteria provided, single submitter. Criteria: ACMG Guidelines, 2015. Collection method: clinical testing. Allele origin: germline.

GeneDx
Classification: Likely benign. Last evaluated: 2021-04-14. Review status: criteria provided, single submitter. Criteria: GeneDx Variant Classification Process June 2021. Collection method: clinical testing. Allele origin: germline. Affected: yes.
Comment: This variant is associated with the following publications: (PMID: 11907649, 11424922)

Eurofins Ntd Llc (ga)
Classification: Uncertain significance. Last evaluated: 2017-05-25. Review status: criteria provided, single submitter. Criteria: EGL Classification Definitions 2015. Collection method: clinical testing. Allele origin: germline. Observed: 1 variant allele, 1 heterozygote.

Illumina Laboratory Services, Illumina
Classification: Uncertain significance for Autosomal recessive nonsyndromic hearing loss 8. Last evaluated: 2017-04-27. Review status: criteria provided, single submitter. Criteria: ICSL Variant Classification Criteria 13 December 2019. Collection method: clinical testing. Allele origin: germline.
Comment: This variant was observed as part of a predisposition screen in an ostensibly healthy population. A literature search was performed for the gene, cDNA change, and amino acid change (where applicable). Publications were found based on this search. However, the evidence from the literature, in combination with allele frequency data from public databases where available, was not sufficient to rule this variant in or out of causing disease. Therefore, this variant is classified as a variant of unknown significance.

Laboratory for Molecular Medicine, Mass General Brigham Personalized Medicine
Classification: Benign. Last evaluated: 2012-08-29. Review status: criteria provided, single submitter. Criteria: LMM Criteria. Collection method: clinical testing. Allele origin: germline. Observed: 8 variant alleles.
Comment: Tyr376Tyr in exon 11 of TMPRSS3: This variant is not expected to have clinical s ignificance because it does not alter an amino acid residue, is not located with in the splice consensus sequence, and has been identified in 0.6% (27/4427) of A frican American chromosomes from a broad population by the NHLBI Exome Sequencin g Project (dbSNP rs111033292).

Clinical Genetics DNA and cytogenetics Diagnostics Lab, Erasmus MC, Erasmus Medical Center
Classification: Likely benign. Review status: no assertion criteria provided. Collection method: clinical testing. Allele origin: germline. Affected: yes. Study: VKGL Data-share Consensus. Not counted in ClinVar's aggregate classification.

Joint Genome Diagnostic Labs from Nijmegen and Maastricht, Radboudumc and MUMC+
Classification: Benign. Review status: no assertion criteria provided. Collection method: clinical testing. Allele origin: germline. Affected: yes. Study: VKGL Data-share Consensus. Not counted in ClinVar's aggregate classification.

Literature cited by the submitters: PubMed 11424922 (cited by Illumina Laboratory Services, Illumina and Laboratory for Molecular Medicine, Mass General Brigham Personalized Medicine); PubMed 11907649 (cited by Laboratory for Molecular Medicine, Mass General Brigham Personalized Medicine).

NM_001256317.3(TMPRSS3):c.1125C>T (p.Tyr375=)

Gene: TMPRSS3 (transmembrane serine protease 3; minus strand). Cytogenetic location: 21q22.3.
Variant type: single nucleotide variant.
Coding change: c.1125C>T on transcript NM_001256317.3 (MANE Select); coding-DNA position 1125, C replaced by T.
Protein change: p.Tyr375=; no amino-acid change (tyrosine 375 retained).
Molecular consequence: synonymous variant.
Genome position (GRCh38, 1-based): chr21:42,376,607, G>A on the plus strand (C>T on the coding strand, the complement: TMPRSS3 is on the minus strand). VCF-style: chr21-42376607-G-A. GRCh37 (hg19) VCF-style: chr21-43796716-G-A.
Other names: p.Tyr376=; c.1128C>T, p.Tyr376= (NM_024022.4); c.747C>T, p.Tyr249= (NM_032404.3); c.1128C>T (NM_024022.3).
Identifiers: ClinVar variation 46098 (VCV000046098.52), dbSNP rs111033292, ClinGen allele CA137680.
Genomic context (GRCh38, chr21:42,376,607, plus strand): 5'-GCTGTCCACGCCACCCGTCAGGTAGCCCGCGCAGAGCATGGAGGGGGAGATGATGCCACC[G>A]TACACGTCCCTGTGGTTGCAGATCTTGTTGGAAATCAAAGGGACGGCCGCGTGGTTCAGG-3'
Protein context (NP_001243246.1, residues 365-385): SNKICNHRDV[Tyr375=]GGIISPSMLC